The following is an entry in ClinVar:

NM_032492.4(JAGN1):c.270C>T (p.Leu90=)

Gene: JAGN1 (jagunal vesicle mediated transporter 1; plus strand). Cytogenetic location: 3p25.3.
Variant type: single nucleotide variant.
Coding change: c.270C>T on transcript NM_032492.4 (MANE Select); coding-DNA position 270, C replaced by T.
Protein change: p.Leu90=; no amino-acid change (leucine 90 retained).
Molecular consequence: synonymous variant.
Genome position (GRCh38, 1-based): chr3:9,893,095, C>T. VCF-style: chr3-9893095-C-T. GRCh37 (hg19) VCF-style: chr3-9934779-C-T.
Other names: c.270C>T, p.Leu90= (LRG_1228t1); c.108C>T, p.Leu36= (NM_001363890.1).
Identifiers: ClinVar variation 542038 (VCV000542038.41), dbSNP rs143617732, ClinGen allele CA2245854.

ClinVar aggregate classification (germline): Likely benign. Review status: criteria provided, multiple submitters, no conflicts (2 of 4 stars). 3 submissions from 3 submitters: Likely benign (3). Last evaluated 2026-02-01.

Conditions:
Autosomal recessive severe congenital neutropenia due to JAGN1 deficiency. Also called: Severe congenital neutropenia 6, autosomal recessive. Identifiers: Orphanet 423384, MedGen C4014954, MONDO:0014456, OMIM 616022.

Allele frequency attached by ClinVar (database versions not stated): ExAC 0.00027; gnomAD 0.00028 and 0.00032; ESP Exome Variant Server 0.00031; gnomAD exomes 0.00031; TOPMed 0.00036.
gnomAD v4.1: 682 of 1,614,116 alleles (0.042%); highest among the groups gnomAD compares: Admixed American, 0.067%; no homozygotes.

Submissions (3):

CeGaT Center for Human Genetics Tuebingen
Classification: Likely benign. Last evaluated: 2026-02-01. Review status: criteria provided, single submitter. Criteria: CeGaT Center For Human Genetics Tuebingen Variant Classification Criteria Version 2. Collection method: clinical testing. Allele origin: germline. Affected: yes. Observed: 2 variant alleles.
Comment: JAGN1: BP4, BP7

Labcorp Genetics (formerly Invitae), Labcorp
Classification: Likely benign for Autosomal recessive severe congenital neutropenia due to JAGN1 deficiency. Last evaluated: 2026-02-01. Review status: criteria provided, single submitter. Criteria: Invitae Variant Classification Sherloc (09022015). Collection method: clinical testing. Allele origin: germline.

Blueprint Genetics
Classification: Likely benign. Last evaluated: 2024-10-28. Review status: criteria provided, single submitter. Criteria: ACMG Guidelines, 2015. Collection method: clinical testing. Allele origin: germline.